The following is an entry in ClinVar:

NM_000059.4(BRCA2):c.8676del (p.Arg2892fs)

Gene: BRCA2 (BRCA2 DNA repair associated; plus strand). Cytogenetic location: 13q13.1.
Variant type: Deletion.
Coding change: c.8676del on transcript NM_000059.4 (MANE Select); coding-DNA position 8676, one base deleted (A; older notation c.8676delA).
Protein change: p.Arg2892fs; shifts the reading frame from arginine 2892.
Molecular consequence: frameshift variant.
Genome position (GRCh38, 1-based): chr13:32,376,713, A deleted. VCF-style (leftmost placement, unchanged base first): chr13-32376712-GA-G. GRCh37 (hg19) VCF-style: chr13-32950849-GA-G.
Other names: 8904delA; c.8676delA (NM_000059.3).
Identifiers: ClinVar variation 52657 (VCV000052657.17), dbSNP rs80359725, ClinGen allele CA025775.

ClinVar aggregate classification (germline): Pathogenic. Review status: reviewed by expert panel (3 of 4 stars). 5 submissions from 5 submitters: Pathogenic (1). 4 of the submissions do not count toward it. Last evaluated 2016-09-08.

Conditions:
Hereditary breast ovarian cancer syndrome. Also called: Hereditary breast and ovarian cancer syndrome; Hereditary breast and ovarian cancer; Hereditary breast and ovarian cancer syndrome (HBOC); Breast and ovarian cancer; Hereditary breast and/or ovarian cancer syndrome; BRCA1- and BRCA2-Associated Hereditary Breast and Ovarian Cancer. Identifiers: Orphanet 145, MedGen C0677776, MeSH D061325, MONDO:0003582. Disease mechanism: loss of function.
Breast-ovarian cancer, familial, susceptibility to, 2 (BROVCA2). Also called: BRCA2 Hereditary Breast and Ovarian Cancer. Identifiers: Orphanet 145, MedGen C2675520, MONDO:0012933, OMIM 612555. Disease mechanism: loss of function.
Hereditary cancer-predisposing syndrome. Also called: Neoplastic Syndromes, Hereditary; Tumor predisposition; Hereditary neoplastic syndrome; Hereditary Cancer Syndrome. Identifiers: Orphanet 140162, MedGen C0027672, MeSH D009386, MONDO:0015356.

Submissions (5):

Evidence-based Network for the Interpretation of Germline Mutant Alleles (ENIGMA)
Classification: Pathogenic for Breast-ovarian cancer, familial, susceptibility to, 2. Last evaluated: 2016-09-08. Review status: reviewed by expert panel. Criteria: ENIGMA BRCA1/2 Classification Criteria (2015). Collection method: curation. Allele origin: germline.
Comment: Variant allele predicted to encode a truncated non-functional protein.

Ambry Genetics
Classification: Pathogenic for Hereditary cancer-predisposing syndrome. Last evaluated: 2025-04-28. Review status: criteria provided, single submitter. Criteria: Ambry Variant Classification Scheme 2023. Collection method: clinical testing. Allele origin: germline. Not counted in ClinVar's aggregate classification.
Comment: The c.8676delA pathogenic mutation, located in coding exon 20 of the BRCA2 gene, results from a deletion of one nucleotide at nucleotide position 8676, causing a translational frameshift with a predicted alternate stop codon (p.R2892Sfs*17). This alteration has been reported in one French Canadian family at high risk of breast and/or ovarian cancer (Simard J et al. J Med Genet, 2007 Feb;44:107-21). In addition to the clinical data presented in the literature, this alteration is expected to result in loss of function by premature protein truncation or nonsense-mediated mRNA decay. As such, this alteration is interpreted as a disease-causing mutation.

Labcorp Genetics (formerly Invitae), Labcorp
Classification: Pathogenic for Hereditary breast ovarian cancer syndrome. Last evaluated: 2024-10-23. Review status: criteria provided, single submitter. Criteria: Invitae Variant Classification Sherloc (09022015). Collection method: clinical testing. Allele origin: germline. Not counted in ClinVar's aggregate classification.
Comment: This sequence change creates a premature translational stop signal (p.Arg2892Serfs*17) in the BRCA2 gene. It is expected to result in an absent or disrupted protein product. Loss-of-function variants in BRCA2 are known to be pathogenic (PMID: 20104584). This variant is not present in population databases (gnomAD no frequency). This premature translational stop signal has been observed in individual(s) with personal or family history of breast and/or ovarian cancer (PMID: 16905680). ClinVar contains an entry for this variant (Variation ID: 52657). For these reasons, this variant has been classified as Pathogenic.

Consortium of Investigators of Modifiers of BRCA1/2 (CIMBA), c/o University of Cambridge
Classification: Pathogenic for Breast-ovarian cancer, familial, susceptibility to, 2. Last evaluated: 2015-10-02. Review status: criteria provided, single submitter. Criteria: CIMBA Mutation Classification guidelines May 2016. Collection method: clinical testing. Allele origin: germline. Not counted in ClinVar's aggregate classification.

Breast Cancer Information Core (BIC) (BRCA2)
Classification: Pathogenic for Breast-ovarian cancer, familial 2. Last evaluated: 2004-02-20. Review status: no assertion criteria provided. Collection method: clinical testing. Allele origin: germline. Affected: yes. Observed: 3 variant alleles. Not counted in ClinVar's aggregate classification.

Literature cited by the submitters: PubMed 16905680 (cited by Ambry Genetics and Labcorp Genetics (formerly Invitae), Labcorp); PubMed 29446198 (cited by Ambry Genetics); PubMed 20104584 (cited by Labcorp Genetics (formerly Invitae), Labcorp).